The following is an entry in ClinVar:

ClinVar aggregate classification (germline): Uncertain significance (1 of 4 stars; one submission).

gnomAD v4.1: 6 of 1,495,996 alleles (0.0004%); highest among the groups gnomAD compares: Admixed American, 0.0022%; no homozygotes.

Submission:

GeneDx
Classification: Uncertain significance. Last evaluated: 2024-04-15. Review status: criteria provided, single submitter. Criteria: GeneDx Variant Classification Process June 2021. Collection method: clinical testing. Allele origin: germline. Affected: yes.
Comment: Not observed at significant frequency in large population cohorts (gnomAD); In silico analysis indicates that this missense variant does not alter protein structure/function; Has not been previously published as pathogenic or benign to our knowledge

NM_001042681.2(RERE):c.2603C>T (p.Pro868Leu)

Gene: RERE (arginine-glutamic acid dipeptide repeats; minus strand). Cytogenetic location: 1p36.23.
Variant type: single nucleotide variant.
Coding change: c.2603C>T on transcript NM_001042681.2 (MANE Select); coding-DNA position 2603, C replaced by T.
Protein change: p.Pro868Leu; replaces proline 868 with leucine.
Molecular consequence: missense variant.
Genome position (GRCh38, 1-based): chr1:8,360,904, G>A on the plus strand (C>T on the coding strand, the complement: RERE is on the minus strand). VCF-style: chr1-8360904-G-A. GRCh37 (hg19) VCF-style: chr1-8420964-G-A.
Other names: c.941C>T, p.Pro314Leu (NM_001042682.2); c.2603C>T, p.Pro868Leu (NM_012102.4); short protein forms P314L, P868L.
Identifiers: ClinVar variation 3369591 (VCV003369591.1).